The following is an entry in ClinVar:

NM_001267550.2(TTN):c.9463G>T (p.Glu3155Ter)

Gene: TTN (titin; minus strand). Cytogenetic location: 2q31.2.
Variant type: single nucleotide variant.
Coding change: c.9463G>T on transcript NM_001267550.2 (MANE Select); coding-DNA position 9463, G replaced by T.
Protein change: p.Glu3155Ter; replaces glutamic acid 3155 with a stop codon.
Molecular consequence: nonsense.
Genome position (GRCh38, 1-based): chr2:178,767,767, C>A on the plus strand (G>T on the coding strand, the complement: TTN is on the minus strand). VCF-style: chr2-178767767-C-A. GRCh37 (hg19) VCF-style: chr2-179632494-C-A.
Other names: c.9325G>T, p.Glu3109Ter (NM_003319.4, NM_133432.3, NM_133437.4); c.9463G>T, p.Glu3155Ter (NM_133378.4, NM_133379.5, NM_001256850.1); short protein forms E3109*, E3155*.
Identifiers: ClinVar variation 4531799 (VCV004531799.1).

ClinVar aggregate classification (germline): Likely pathogenic (1 of 4 stars; one submission).

Conditions:
Dilated cardiomyopathy 1G (CMD1G). Identifiers: Orphanet 154, MedGen C1858763, MONDO:0011400, OMIM 604145.

Submission:

Victorian Clinical Genetics Services, Murdoch Childrens Research Institute
Classification: Likely pathogenic for Dilated cardiomyopathy 1G. Last evaluated: 2024-12-19. Review status: criteria provided, single submitter. Criteria: ACMG Guidelines, 2015. Collection method: clinical testing. Allele origin: germline. Affected: yes.
Comment: This variant is classified as Likely pathogenic. Evidence in support of pathogenic classification: Variant is predicted to cause nonsense-mediated decay (NMD) and loss of protein (premature termination codon is located at least 54 nucleotides upstream of the final exon-exon junction); Variant is absent from gnomAD (v2, v3 and v4); Other NMD-predicted variants comparable to the one identified in this case have strong previous evidence for pathogenicity (ClinVar). Additional information: This variant is heterozygous; This gene is associated with both recessive and dominant disease (OMIM); This variant has no previous evidence of pathogenicity; No published segregation evidence has been identified for this variant; No published functional evidence has been identified for this variant; Variant is located in the annotated I-band and the exon has a PSI score of 100% (PMID: 25589632); Loss of function is a known mechanism of disease in this gene. In addition, dominant negative is also a suggested mechanism. (PMID: 25589632); The condition associated with this gene has incomplete penetrance. Variants in this gene that result in a premature termination codon (PTC) are known to have reduced penetrance in DCM (PMID: 25589632); Inheritance information for this variant is not currently available in this individual.

Literature cited by the submitters: PubMed 25589632.